The following is an entry in ClinVar:

ClinVar aggregate classification (germline): Uncertain significance (1 of 4 stars; one submission).

Allele frequency attached by ClinVar (database versions not stated): gnomAD exomes below 0.00001; TOPMed below 0.00001; gnomAD 0.00001.
gnomAD v4.1: 4 of 1,613,318 alleles (0.00025%); highest among the groups gnomAD compares: Non-Finnish European, 0.00034%; no homozygotes.

Submission:

Labcorp Genetics (formerly Invitae), Labcorp
Classification: Uncertain significance. Last evaluated: 2024-01-27. Review status: criteria provided, single submitter. Criteria: Invitae Variant Classification Sherloc (09022015). Collection method: clinical testing. Allele origin: germline.
Comment: This sequence change replaces valine, which is neutral and non-polar, with isoleucine, which is neutral and non-polar, at codon 514 of the FBXW7 protein (p.Val514Ile). This variant is not present in population databases (gnomAD no frequency). This variant has not been reported in the literature in individuals affected with FBXW7-related conditions. An algorithm developed to predict the effect of missense changes on protein structure and function (PolyPhen-2) suggests that this variant is likely to be tolerated. In summary, the available evidence is currently insufficient to determine the role of this variant in disease. Therefore, it has been classified as a Variant of Uncertain Significance.

NM_001349798.2(FBXW7):c.1540G>A (p.Val514Ile)

Gene: FBXW7 (F-box and WD repeat domain containing 7; minus strand). Cytogenetic location: 4q31.3.
Variant type: single nucleotide variant.
Coding change: c.1540G>A on transcript NM_001349798.2 (MANE Select); coding-DNA position 1540, G replaced by A.
Protein change: p.Val514Ile; replaces valine 514 with isoleucine.
Molecular consequence: missense variant.
Genome position (GRCh38, 1-based): chr4:152,326,110, C>T on the plus strand (G>A on the coding strand, the complement: FBXW7 is on the minus strand). VCF-style: chr4-152326110-C-T. GRCh37 (hg19) VCF-style: chr4-153247262-C-T.
Other names: c.1186G>A, p.Val396Ile (NM_001013415.2); c.1300G>A, p.Val434Ile (NM_018315.5); c.1540G>A, p.Val514Ile (NM_033632.3); short protein forms V396I, V434I, V514I.
Identifiers: ClinVar variation 2713418 (VCV002713418.3), dbSNP rs1728990846, ClinGen allele CA358618106.
Genomic context (GRCh38, chr4:152,326,110, plus strand): 5'-GACAGGTTTCAGTCTCTGGATCCCACACCTTTACCATAAAATCATATGCTCCACTAACAA[C>T]CCTCCTGCCATCATATTGAACACAGCGGACTGCTGCAACATGACCCATCAAAACATGTAA-3'
Protein context (NP_001336727.1, residues 504-524): VRCVQYDGRR[Val514Ile]VSGAYDFMVK